The following is an entry in ClinVar:

ClinVar aggregate classification (germline): Uncertain significance (1 of 4 stars; one submission).

Conditions:
Inborn genetic diseases. Identifiers: MedGen C0950123, MeSH D030342.

Submission:

Ambry Genetics
Classification: Uncertain significance for Inborn genetic diseases. Last evaluated: 2025-08-12. Review status: criteria provided, single submitter. Criteria: Ambry Variant Classification Scheme 2023. Collection method: clinical testing. Allele origin: germline.
Comment: The p.S380F variant (also known as c.1139C>T), located in coding exon 3 of the MBD4 gene, results from a C to T substitution at nucleotide position 1139. The serine at codon 380 is replaced by phenylalanine, an amino acid with highly dissimilar properties. This amino acid position is conserved. In addition, the in silico prediction for this alteration is inconclusive. Based on the available evidence, the clinical significance of this variant remains unclear.

NM_001276270.2(MBD4):c.1139C>T (p.Ser380Phe)

Gene: MBD4 (methyl-CpG binding domain 4, DNA glycosylase; minus strand). Cytogenetic location: 3q21.3.
Variant type: single nucleotide variant.
Coding change: c.1139C>T on transcript NM_001276270.2 (MANE Select); coding-DNA position 1139, C replaced by T.
Protein change: p.Ser380Phe; replaces serine 380 with phenylalanine.
Molecular consequence: missense variant. On other transcripts: intron variant (1).
Genome position (GRCh38, 1-based): chr3:129,436,505, G>A on the plus strand (C>T on the coding strand, the complement: MBD4 is on the minus strand). VCF-style: chr3-129436505-G-A. GRCh37 (hg19) VCF-style: chr3-129155348-G-A.
Other names: c.1139C>T, p.Ser380Phe (NM_001276271.2, NM_001276272.2, NM_003925.3); c.247+1303C>T (NM_001276273.2); short protein forms S380F.
Identifiers: ClinVar variation 4104645 (VCV004104645.1).